The following is an entry in ClinVar:

ClinVar aggregate classification (germline): Pathogenic (1 of 4 stars; one submission).

Conditions:
Charcot-Marie-Tooth disease axonal type 2P. Also called: CHARCOT-MARIE-TOOTH NEUROPATHY, TYPE 2P; Charcot-Marie-Tooth Neuropathy Type 2G; CHARCOT-MARIE-TOOTH DISEASE, AXONAL, TYPE 2G; CMT 2G. Identifiers: Orphanet 300319, Orphanet 99941, MedGen C3280797, MONDO:0013753, OMIM 614436.

Submission:

Labcorp Genetics (formerly Invitae), Labcorp
Classification: Pathogenic for Charcot-Marie-Tooth disease axonal type 2P. Last evaluated: 2023-06-23. Review status: criteria provided, single submitter. Criteria: Invitae Variant Classification Sherloc (09022015). Collection method: clinical testing. Allele origin: germline.
Comment: For these reasons, this variant has been classified as Pathogenic. This variant has not been reported in the literature in individuals affected with LRSAM1-related conditions. This variant is a gross deletion of the genomic region encompassing exon(s) 9 of the LRSAM1 gene. This deletion is out-of-frame, and is expected to create a premature termination codon and result in an absent or disrupted protein product. Loss-of-function variants in LRSAM1 are known to be pathogenic (PMID: 20865121, 33414056).

Literature cited by the submitters: PubMed 20865121; PubMed 33414056.

NC_000009.11:g.(?_130229999)_(130230129_?)del

Gene: LRSAM1 (leucine rich repeat and sterile alpha motif containing 1; plus strand). Cytogenetic location: 9q33.3.
Variant type: Deletion.
Identifiers: ClinVar variation 2427229 (VCV002427229.4).